The following is an entry in ClinVar:

NM_177924.5(ASAH1):c.5C>T (p.Pro2Leu)

Genes: ASAH1 (N-acylsphingosine amidohydrolase 1; minus strand), LOC129999940 (ATAC-STARR-seq lymphoblastoid silent region 18966; plus strand). Cytogenetic location: 8p22.
Variant type: single nucleotide variant.
Coding change: c.5C>T on transcript NM_177924.5 (MANE Select); coding-DNA position 5, C replaced by T.
Protein change: p.Pro2Leu; replaces proline 2 with leucine.
Molecular consequence: missense variant. On other transcripts: intron variant (2).
Genome position (GRCh38, 1-based): chr8:18,084,054, G>A on the plus strand (C>T on the coding strand, the complement: ASAH1 is on the minus strand). VCF-style: chr8-18084054-G-A. GRCh37 (hg19) VCF-style: chr8-17941563-G-A.
Other names: c.126+622C>T (NM_004315.6, NM_001127505.3); short protein forms P2L.
Identifiers: ClinVar variation 2053820 (VCV002053820.4), dbSNP rs757302859, ClinGen allele CA4651138.

ClinVar aggregate classification (germline): Uncertain significance. Review status: criteria provided, multiple submitters, no conflicts (2 of 4 stars). 2 submissions from 2 submitters: Uncertain significance (2). Last evaluated 2022-08-03.

Allele frequency attached by ClinVar (database versions not stated): ExAC 0.00001; TOPMed 0.00003; gnomAD 0.00004.
gnomAD v4.1: 27 of 1,598,586 alleles (0.0017%); highest among the groups gnomAD compares: African/African-American, 0.019%; no homozygotes.

Submissions (2):

Labcorp Genetics (formerly Invitae), Labcorp
Classification: Uncertain significance. Last evaluated: 2022-08-03. Review status: criteria provided, single submitter. Criteria: Invitae Variant Classification Sherloc (09022015). Collection method: clinical testing. Allele origin: germline.
Comment: This sequence change replaces proline, which is neutral and non-polar, with leucine, which is neutral and non-polar, at codon 2 of the ASAH1 protein (p.Pro2Leu). The frequency data for this variant in the population databases is considered unreliable, as metrics indicate poor data quality at this position in the gnomAD database. This variant has not been reported in the literature in individuals affected with ASAH1-related conditions. Algorithms developed to predict the effect of missense changes on protein structure and function (SIFT, PolyPhen-2, Align-GVGD) all suggest that this variant is likely to be tolerated. In summary, the available evidence is currently insufficient to determine the role of this variant in disease. Therefore, it has been classified as a Variant of Uncertain Significance.

Revvity Omics, Revvity
Classification: Uncertain significance. Last evaluated: 2020-04-22. Review status: criteria provided, single submitter. Criteria: ACMG Guidelines, 2015. Collection method: clinical testing. Allele origin: germline.